The following is an entry in ClinVar:

ClinVar aggregate classification (germline): Pathogenic (1 of 4 stars; one submission).

Conditions:
Autosomal recessive distal spinal muscular atrophy 1. Also called: HMN VI; NEURONOPATHY, SEVERE INFANTILE AXONAL, WITH RESPIRATORY FAILURE; SEVERE INFANTILE AXONAL NEUROPATHY WITH RESPIRATORY FAILURE; SPINAL MUSCULAR ATROPHY, DIAPHRAGMATIC; Spinal muscular atrophy with respiratory distress 1; NEURONOPATHY, DISTAL HEREDITARY MOTOR, HARDING TYPE VI. Identifiers: Orphanet 98920, MedGen C1858517, MONDO:0011436, OMIM 604320.
Charcot-Marie-Tooth disease axonal type 2S. Also called: CHARCOT-MARIE-TOOTH NEUROPATHY, TYPE 2S; CHARCOT-MARIE-TOOTH DISEASE, AXONAL, AUTOSOMAL RECESSIVE, TYPE 2S. Identifiers: Orphanet 443073, MedGen C4015349, MONDO:0014511, OMIM 616155.

Allele frequency attached by ClinVar (database versions not stated): gnomAD exomes below 0.00001; ExAC 0.00001; TOPMed 0.00001; gnomAD 0.00002; 1000 Genomes Project 30x 0.00016; 1000 Genomes Project 0.00020.
gnomAD v4.1: 4 of 1,614,128 alleles (0.00025%); highest among the groups gnomAD compares: African/African-American, 0.0053%; no homozygotes.

Submission:

Labcorp Genetics (formerly Invitae), Labcorp
Classification: Pathogenic for Autosomal recessive distal spinal muscular atrophy 1; Charcot-Marie-Tooth disease axonal type 2S. Last evaluated: 2023-11-14. Review status: criteria provided, single submitter. Criteria: Invitae Variant Classification Sherloc (09022015). Collection method: clinical testing. Allele origin: germline.
Comment: This sequence change creates a premature translational stop signal (p.Gln196*) in the IGHMBP2 gene. It is expected to result in an absent or disrupted protein product. Loss-of-function variants in IGHMBP2 are known to be pathogenic (PMID: 14681881, 25439726, 25568292). This variant is present in population databases (rs564145037, gnomAD 0.01%). This variant has not been reported in the literature in individuals affected with IGHMBP2-related conditions. For these reasons, this variant has been classified as Pathogenic.

Literature cited by the submitters: PubMed 14681881; PubMed 25439726; PubMed 25568292.

NM_002180.3(IGHMBP2):c.586C>T (p.Gln196Ter)

Gene: IGHMBP2 (immunoglobulin mu DNA binding protein 2; plus strand). Cytogenetic location: 11q13.3.
Variant type: single nucleotide variant.
Coding change: c.586C>T on transcript NM_002180.3 (MANE Select); coding-DNA position 586, C replaced by T.
Protein change: p.Gln196Ter; replaces glutamine 196 with a stop codon.
Molecular consequence: nonsense.
Genome position (GRCh38, 1-based): chr11:68,911,478, C>T. VCF-style: chr11-68911478-C-T. GRCh37 (hg19) VCF-style: chr11-68678946-C-T.
Other names: short protein forms Q196*.
Identifiers: ClinVar variation 2928746 (VCV002928746.3), dbSNP rs564145037, ClinGen allele CA6153335.